The following is an entry in ClinVar:

NC_000023.10:g.(?_99551275)_(100515610_?)dup

Genes: ARL13A (ARF like GTPase 13A; plus strand), CENPI (centromere protein I; plus strand), CSTF2 (cleavage stimulation factor subunit 2; plus strand), DRP2 (dystrophin related protein 2; plus strand), NOX1 (NADPH oxidase 1; minus strand) and 8 more. Cytogenetic location: Xq22.1.
Variant type: Duplication.
Identifiers: ClinVar variation 3246518 (VCV003246518.1).

ClinVar aggregate classification (germline): Uncertain significance (1 of 4 stars; one submission).

Submission:

Labcorp Genetics (formerly Invitae), Labcorp
Classification: Uncertain significance. Last evaluated: 2024-01-24. Review status: criteria provided, single submitter. Criteria: Invitae Variant Classification Sherloc (09022015). Collection method: clinical testing. Allele origin: unknown.
Comment: A copy number gain of the genomic region encompassing the full coding sequence of the DRP2 gene has been identified. The boundaries of this event are unknown as they extend beyond the assayed region for this gene and therefore may encompass additional genes. As the precise location of this event is unknown, it may be in tandem or it may be located elsewhere in the genome. This variant has not been reported in the literature in individuals affected with DRP2-related conditions. In summary, the available evidence is currently insufficient to determine the role of this variant in disease. Therefore, it has been classified as a Variant of Uncertain Significance.